The following is an entry in ClinVar:

ClinVar aggregate classification (germline): Uncertain significance. Review status: criteria provided, multiple submitters, no conflicts (2 of 4 stars). 2 submissions from 2 submitters: Uncertain significance (2). Last evaluated 2024-04-25.

Conditions:
Familial thoracic aortic aneurysm and aortic dissection (TAAD). Also called: Thoracic aortic aneurysms and dissections. Identifiers: Orphanet 91387, MedGen C4707243, MONDO:0019625.

Allele frequency attached by ClinVar (database versions not stated): gnomAD exomes below 0.00001.
gnomAD v4.1: 1 of 1,614,134 alleles (0.000062%); highest among the groups gnomAD compares: Non-Finnish European, 0.000085%; no homozygotes.

Submissions (2):

All of Us Research Program, National Institutes of Health
Classification: Uncertain significance for Familial thoracic aortic aneurysm and aortic dissection. Last evaluated: 2024-04-25. Review status: criteria provided, single submitter. Criteria: ACMG Guidelines, 2015. Collection method: clinical testing. Allele origin: germline. Inheritance: Autosomal dominant inheritance. Observed: 1 variant allele, 1 heterozygote.
Comment: Variant of Uncertain Significance due to insufficient evidence: This missense variant is located in the coiled coil myosin tail domain of the MYH11 protein. Computational prediction tools and conservation analyses suggest that this variant may have deleterious impact on the protein function. Computational splicing tools suggest that this variant may not impact RNA splicing. To our knowledge, functional assays have not been performed for this variant nor has this variant been reported in individuals affected with cardiovascular disorders in the literature. This variant is rare in the general population and has been identified in 0/277264 chromosomes by the Genome Aggregation Database (gnomAD). Available evidence is insufficient to determine the pathogenicity of this variant conclusively.

This study involves interpretation of variants in research participants for the purpose of population health screening. Participant phenotype was not available at the time of variant classification. Additional details can be found in publication PMID: 35346344, PMCID: PMC8962531

Color Diagnostics, LLC DBA Color Health
Classification: Uncertain significance for Familial thoracic aortic aneurysm and aortic dissection. Last evaluated: 2023-12-05. Review status: criteria provided, single submitter. Criteria: ACMG Guidelines, 2015. Collection method: clinical testing. Allele origin: germline.
Comment: Variant of Uncertain Significance due to insufficient evidence: This missense variant is located in the coiled coil myosin tail domain of the MYH11 protein. Computational prediction tools and conservation analyses suggest that this variant may have deleterious impact on the protein function. Computational splicing tools suggest that this variant may not impact RNA splicing. To our knowledge, functional assays have not been performed for this variant nor has this variant been reported in individuals affected with cardiovascular disorders in the literature. This variant is rare in the general population and has been identified in 0/277264 chromosomes by the Genome Aggregation Database (gnomAD). Available evidence is insufficient to determine the pathogenicity of this variant conclusively.

NM_002474.3(MYH11):c.3364G>C (p.Asp1122His)

Gene: MYH11 (myosin heavy chain 11; minus strand). Cytogenetic location: 16p13.11.
Variant type: single nucleotide variant.
Coding change: c.3364G>C on transcript NM_002474.3 (MANE Select); coding-DNA position 3364, G replaced by C.
Protein change: p.Asp1122His; replaces aspartic acid 1122 with histidine.
Molecular consequence: missense variant.
Genome position (GRCh38, 1-based): chr16:15,735,508, C>G on the plus strand (G>C on the coding strand, the complement: MYH11 is on the minus strand). VCF-style: chr16-15735508-C-G. GRCh37 (hg19) VCF-style: chr16-15829365-C-G.
Other names: c.3385G>C, p.Asp1129His (NM_001040113.2, NM_001040114.2); c.3364G>C, p.Asp1122His (NM_022844.3); short protein forms D1122H, D1129H.
Identifiers: ClinVar variation 925787 (VCV000925787.6), dbSNP rs2041091293, ClinGen allele CA394862033.
Genomic context (GRCh38, chr16:15,735,508, plus strand): 5'-GCTTCTGCTTTTCAGCCTTGTTCCTGGCGGCCCGCTCTGAGTCCAGGTCCTCCTGGAGGT[C>G]TGAGATGTGGCCCTCCAGCTCCCGGATCTTCTTCAGGGCATTGTTCTTCTGAGCGATTTC-3'
Protein context (NP_002465.1, residues 1112-1132): KIRELEGHIS[Asp1122His]LQEDLDSERA